The following is an entry in ClinVar:

NC_000022.10:g.(?_26157060)_(26159376_?)del

Gene: MYO18B (myosin XVIIIB; plus strand). Cytogenetic location: 22q12.1.
Variant type: Deletion.
Identifiers: ClinVar variation 2427050 (VCV002427050.4).

ClinVar aggregate classification (germline): Pathogenic (1 of 4 stars; one submission).

Submission:

Labcorp Genetics (formerly Invitae), Labcorp
Classification: Pathogenic. Last evaluated: 2022-09-01. Review status: criteria provided, single submitter. Criteria: Invitae Variant Classification Sherloc (09022015). Collection method: clinical testing. Allele origin: germline.
Comment: For these reasons, this variant has been classified as Pathogenic. This variant has not been reported in the literature in individuals affected with MYO18B-related conditions. This variant is a gross deletion of the genomic region encompassing exon(s) 2-3 of the MYO18B gene, which includes the initiator codon. This deletion extends beyond the assayed region for this gene and therefore may encompass additional genes. It is expected to result in an absent or disrupted protein product. Loss-of-function variants in MYO18B are known to be pathogenic (PMID: 25748484, 32184166, 32637634).

Literature cited by the submitters: PubMed 25748484; PubMed 32184166; PubMed 32637634.